The following is an entry in ClinVar:

NM_000140.5(FECH):c.51C>T (p.Val17=)

Genes: FECH (ferrochelatase; minus strand), LOC130062560 (ATAC-STARR-seq lymphoblastoid silent region 9481; plus strand). Cytogenetic location: 18q21.31.
Variant type: single nucleotide variant.
Coding change: c.51C>T on transcript NM_000140.5 (MANE Select); coding-DNA position 51, C replaced by T.
Protein change: p.Val17=; no amino-acid change (valine 17 retained).
Molecular consequence: synonymous variant. On other transcripts: 5 prime UTR variant (1).
Genome position (GRCh38, 1-based): chr18:57,586,570, G>A on the plus strand (C>T on the coding strand, the complement: FECH is on the minus strand). VCF-style: chr18-57586570-G-A. GRCh37 (hg19) VCF-style: chr18-55253802-G-A.
Other names: c.51C>T, p.Val17= (NM_001012515.4, NM_001371094.1, NM_001374778.1); c.-276C>T (NM_001371095.1).
Identifiers: ClinVar variation 4983248 (VCV004983248.1).

ClinVar aggregate classification (germline): Likely benign (1 of 4 stars; one submission).

Conditions:
FECH-related disorder. Also called: FECH-related condition.

gnomAD v4.1: 1 of 1,522,390 alleles (0.000066%); highest among the groups gnomAD compares: Non-Finnish European, 0.000088%; no homozygotes.

Submission:

PreventionGenetics, part of Exact Sciences
Classification: Likely benign for FECH-related condition. Last evaluated: 2025-04-09. Review status: criteria provided, single submitter. Criteria: ACMG Guidelines, 2015. Collection method: clinical testing. Allele origin: germline.
Comment: This variant is classified as likely benign based on ACMG/AMP sequence variant interpretation guidelines (Richards et al. 2015 PMID: 25741868, with internal and published modifications).